The following is an entry in ClinVar:

NM_201384.3(PLEC):c.7201G>A (p.Glu2401Lys)

Gene: PLEC (plectin; minus strand). Cytogenetic location: 8q24.3.
Variant type: single nucleotide variant.
Coding change: c.7201G>A on transcript NM_201384.3 (MANE Select); coding-DNA position 7201, G replaced by A.
Protein change: p.Glu2401Lys; replaces glutamic acid 2401 with lysine.
Molecular consequence: missense variant. On other transcripts: intron variant (1).
Genome position (GRCh38, 1-based): chr8:143,922,728, C>T on the plus strand (G>A on the coding strand, the complement: PLEC is on the minus strand). VCF-style: chr8-143922728-C-T. GRCh37 (hg19) VCF-style: chr8-144996896-C-T.
Other names: c.7282G>A, p.Glu2428Lys (NM_000445.5); c.7159G>A, p.Glu2387Lys (NM_201378.4); c.7135G>A, p.Glu2379Lys (NM_201379.3); c.7612G>A, p.Glu2538Lys (NM_201380.4); c.7105G>A, p.Glu2369Lys (NM_201381.3); c.7201G>A, p.Glu2401Lys (NM_201382.4); c.7213G>A, p.Glu2405Lys (NM_201383.3); c.4126-333G>A (NM_001410941.1); short protein forms E2379K, E2428K, E2538K, E2401K, E2369K, E2387K, E2405K.
Identifiers: ClinVar variation 4787504 (VCV004787504.1).

ClinVar aggregate classification (germline): Uncertain significance (1 of 4 stars; one submission).

Conditions:
Epidermolysis bullosa simplex with nail dystrophy (EBS5D). Identifiers: MedGen C4225309, MONDO:0014661, OMIM 616487.
Epidermolysis bullosa simplex, Ogna type (EBS5A). Also called: EPIDERMOLYSIS BULLOSA SIMPLEX 5A, OGNA TYPE; Pidermolysis bullosa simplex 5A, Ogna type. Identifiers: Orphanet 79401, MedGen C0432317, MONDO:0007555, OMIM 131950.
Autosomal recessive limb-girdle muscular dystrophy type 2Q (LGMDR17). Also called: MUSCULAR DYSTROPHY, LIMB-GIRDLE, AUTOSOMAL RECESSIVE 17. Identifiers: Orphanet 254361, MedGen C3150989, MONDO:0013390, OMIM 613723.
Epidermolysis bullosa simplex 5B, with muscular dystrophy (EBS5B). Also called: EPIDERMOLYSIS BULLOSA SIMPLEX AND LIMB-GIRDLE MUSCULAR DYSTROPHY; Epidermolysis bullosa simplex with muscular dystrophy. Identifiers: Orphanet 257, MedGen C2931072, MONDO:0009181, OMIM 226670.
Epidermolysis bullosa simplex 5C, with pyloric atresia (EBS5C). Also called: PLEC-Related Epidermolysis Bullosa with Pyloric Atresia; Epidermolysis bullosa simplex with pyloric atresia; PLEC1-Related Epidermolysis Bullosa with Pyloric Atresia. Identifiers: Orphanet 158684, MedGen C2677349, MONDO:0012807, OMIM 612138.

gnomAD v4.1: 1 of 1,611,564 alleles (0.000062%); highest among the groups gnomAD compares: African/African-American, 0.0013%; no homozygotes.

Submission:

Labcorp Genetics (formerly Invitae), Labcorp
Classification: Uncertain significance for Autosomal recessive limb-girdle muscular dystrophy type 2Q; Epidermolysis bullosa simplex, Ogna type; Epidermolysis bullosa simplex with nail dystrophy; Epidermolysis bullosa simplex 5C, with pyloric atresia; Epidermolysis bullosa simplex 5B, with muscular dystrophy. Last evaluated: 2025-10-01. Review status: criteria provided, single submitter. Criteria: Invitae Variant Classification Sherloc (09022015). Collection method: clinical testing. Allele origin: germline.
Comment: This sequence change replaces glutamic acid, which is acidic and polar, with lysine, which is basic and polar, at codon 2428 of the PLEC protein (p.Glu2428Lys). This variant is present in population databases (no rsID available, gnomAD 0.01%). This variant has not been reported in the literature in individuals affected with PLEC-related conditions. Invitae Evidence Modeling of protein sequence and biophysical properties (such as structural, functional, and spatial information, amino acid conservation, physicochemical variation, residue mobility, and thermodynamic stability) indicates that this missense variant is not expected to disrupt PLEC protein function with a negative predictive value of 80%. In summary, the available evidence is currently insufficient to determine the role of this variant in disease. Therefore, it has been classified as a Variant of Uncertain Significance.